The following is an entry in ClinVar:

ClinVar aggregate classification (germline): Uncertain significance. Review status: criteria provided, multiple submitters, no conflicts (2 of 4 stars). 2 submissions from 2 submitters: Uncertain significance (2). Last evaluated 2022-04-26.

Conditions:
Al-Gazali syndrome. Also called: Al Gazali Al Talabani syndrome; Eye defects arachnodactyly cardiopathy. Identifiers: MedGen C1836121, MONDO:0012282, OMIM 609465.
Ehlers-Danlos syndrome, spondylodysplastic type, 2 (EDSSPD2). Also called: Ehlers-Danlos syndrome, progeroid type, 2. Identifiers: Orphanet 536467, Orphanet 75496, MedGen C3809210, MONDO:0014139, OMIM 615349.
Spondyloepimetaphyseal dysplasia with joint laxity, type 1, with or without fractures (SEMDJL1). Also called: SPONDYLOEPIMETAPHYSEAL DYSPLASIA WITH JOINT LAXITY, TYPE 1. Identifiers: Orphanet 642099, Orphanet 93359, MedGen C4017377, MONDO:0010075, OMIM 271640.
Spondyloepimetaphyseal dysplasia with joint laxity (SEMDJL). Identifiers: MedGen C0432243, MONDO:0019675.

Allele frequency attached by ClinVar (database versions not stated): 1000 Genomes Project 30x 0.00016.
gnomAD v4.1: 7 of 992,128 alleles (0.00071%); highest among the groups gnomAD compares: East Asian, 0.033%; no homozygotes.

Submissions (2):

Fulgent Genetics
Classification: Uncertain significance for Spondyloepimetaphyseal dysplasia with joint laxity, type 1, with or without fractures; Al-Gazali syndrome; Ehlers-Danlos syndrome, spondylodysplastic type, 2. Last evaluated: 2022-04-26. Review status: criteria provided, single submitter. Criteria: ACMG Guidelines, 2015. Collection method: clinical testing. Allele origin: unknown.

Labcorp Genetics (formerly Invitae), Labcorp
Classification: Uncertain significance for Ehlers-Danlos syndrome, spondylodysplastic type, 2; Spondyloepimetaphyseal dysplasia with joint laxity. Last evaluated: 2021-08-20. Review status: criteria provided, single submitter. Criteria: Invitae Variant Classification Sherloc (09022015). Collection method: clinical testing. Allele origin: germline.
Comment: This sequence change replaces proline with alanine at codon 50 of the B3GALT6 protein (p.Pro50Ala). The proline residue is weakly conserved and there is a small physicochemical difference between proline and alanine. The frequency data for this variant in the population databases is considered unreliable, as metrics indicate insufficient coverage at this position in the ExAC database. This variant has not been reported in the literature in individuals affected with B3GALT6-related conditions. Algorithms developed to predict the effect of missense changes on protein structure and function are either unavailable or do not agree on the potential impact of this missense change (SIFT: "Tolerated"; PolyPhen-2: "Possibly Damaging"; Align-GVGD: "Class C0"). In summary, the available evidence is currently insufficient to determine the role of this variant in disease. Therefore, it has been classified as a Variant of Uncertain Significance.

NM_080605.4(B3GALT6):c.148C>G (p.Pro50Ala)

Gene: B3GALT6 (beta-1,3-galactosyltransferase 6; plus strand). Cytogenetic location: 1p36.33.
Variant type: single nucleotide variant.
Coding change: c.148C>G on transcript NM_080605.4 (MANE Select); coding-DNA position 148, C replaced by G.
Protein change: p.Pro50Ala; replaces proline 50 with alanine.
Molecular consequence: missense variant.
Genome position (GRCh38, 1-based): chr1:1,232,426, C>G. VCF-style: chr1-1232426-C-G. GRCh37 (hg19) VCF-style: chr1-1167806-C-G.
Other names: short protein forms P50A.
Identifiers: ClinVar variation 1419814 (VCV001419814.6), dbSNP rs1249919137, ClinGen allele CA337822875.